The following is an entry in ClinVar:

NM_206933.4(USH2A):c.10851C>A (p.Asn3617Lys)

Gene: USH2A (usherin; minus strand). Cytogenetic location: 1q41.
Variant type: single nucleotide variant.
Coding change: c.10851C>A on transcript NM_206933.4 (MANE Select); coding-DNA position 10851, C replaced by A.
Protein change: p.Asn3617Lys; replaces asparagine 3617 with lysine.
Molecular consequence: missense variant.
Genome position (GRCh38, 1-based): chr1:215,779,931, G>T on the plus strand (C>A on the coding strand, the complement: USH2A is on the minus strand). VCF-style: chr1-215779931-G-T. GRCh37 (hg19) VCF-style: chr1-215953273-G-T.
Other names: short protein forms N3617K.
Identifiers: ClinVar variation 1381182 (VCV001381182.3), dbSNP rs12073994, ClinGen allele CA1393906.

ClinVar aggregate classification (germline): Uncertain significance (1 of 4 stars; one submission).

gnomAD v4.1: 45 of 1,613,914 alleles (0.0028%); highest among the groups gnomAD compares: Admixed American, 0.005%; no homozygotes.

Submission:

Labcorp Genetics (formerly Invitae), Labcorp
Classification: Uncertain significance. Last evaluated: 2022-09-13. Review status: criteria provided, single submitter. Criteria: Invitae Variant Classification Sherloc (09022015). Collection method: clinical testing. Allele origin: germline.
Comment: This sequence change replaces asparagine, which is neutral and polar, with lysine, which is basic and polar, at codon 3617 of the USH2A protein (p.Asn3617Lys). This variant is present in population databases (rs12073994, gnomAD 0.004%). This variant has not been reported in the literature in individuals affected with USH2A-related conditions. ClinVar contains an entry for this variant (Variation ID: 1381182). Advanced modeling of protein sequence and biophysical properties (such as structural, functional, and spatial information, amino acid conservation, physicochemical variation, residue mobility, and thermodynamic stability) performed at Invitae indicates that this missense variant is not expected to disrupt USH2A protein function. In summary, the available evidence is currently insufficient to determine the role of this variant in disease. Therefore, it has been classified as a Variant of Uncertain Significance.